The following is an entry in ClinVar:

NM_001408.3(CELSR2):c.7737A>G (p.Ala2579=)

Gene: CELSR2 (cadherin EGF LAG seven-pass G-type receptor 2; plus strand). Cytogenetic location: 1p13.3.
Variant type: single nucleotide variant.
Coding change: c.7737A>G on transcript NM_001408.3 (MANE Select); coding-DNA position 7737, A replaced by G.
Protein change: p.Ala2579=; no amino-acid change (alanine 2579 retained).
Molecular consequence: synonymous variant.
Genome position (GRCh38, 1-based): chr1:109,271,446, A>G. VCF-style: chr1-109271446-A-G. GRCh37 (hg19) VCF-style: chr1-109814068-A-G.
Identifiers: ClinVar variation 3057345 (VCV003057345.2), dbSNP rs754204028, ClinGen allele CA988348.

ClinVar aggregate classification (germline): Likely benign (0 of 4 stars; one submission).

Conditions:
CELSR2-related disorder. Also called: CELSR2-related condition.

Allele frequency attached by ClinVar (database versions not stated): gnomAD exomes below 0.00001; TOPMed below 0.00001; ExAC 0.00001.
gnomAD v4.1: 12 of 1,613,978 alleles (0.00074%); highest among the groups gnomAD compares: East Asian, 0.0022%; no homozygotes.

Submission:

PreventionGenetics, part of Exact Sciences
Classification: Likely benign for CELSR2-related condition. Last evaluated: 2019-02-22. Review status: no assertion criteria provided. Collection method: clinical testing. Allele origin: germline.
Comment: This variant is classified as likely benign based on ACMG/AMP sequence variant interpretation guidelines (Richards et al. 2015 PMID: 25741868, with internal and published modifications).